The following is an entry in ClinVar:

NM_001379286.1(ZNF423):c.3277A>G (p.Asn1093Asp)

Gene: ZNF423 (zinc finger protein 423; minus strand). Cytogenetic location: 16q12.1.
Variant type: single nucleotide variant.
Coding change: c.3277A>G on transcript NM_001379286.1 (MANE Select); coding-DNA position 3277, A replaced by G.
Protein change: p.Asn1093Asp; replaces asparagine 1093 with aspartic acid.
Molecular consequence: missense variant.
Genome position (GRCh38, 1-based): chr16:49,635,899, T>C on the plus strand (A>G on the coding strand, the complement: ZNF423 is on the minus strand). VCF-style: chr16-49635899-T-C. GRCh37 (hg19) VCF-style: chr16-49669810-T-C.
Other names: c.3073A>G, p.Asn1025Asp (NM_001271620.2); c.2902A>G, p.Asn968Asp (NM_001330533.2); c.3253A>G, p.Asn1085Asp (NM_015069.5); short protein forms N1025D, N1085D, N1093D, N968D.
Identifiers: ClinVar variation 1017494 (VCV001017494.7), dbSNP rs1239902492, ClinGen allele CA395839695.

ClinVar aggregate classification (germline): Uncertain significance (1 of 4 stars; one submission).

Conditions:
Nephronophthisis 14 (NPHP14). Identifiers: Orphanet 2318, MedGen C3539071, MONDO:0013916, OMIM 614844.

gnomAD v4.1: 2 of 1,582,078 alleles (0.00013%); highest among the groups gnomAD compares: Non-Finnish European, 0.00017%; no homozygotes.

Submission:

Labcorp Genetics (formerly Invitae), Labcorp
Classification: Uncertain significance for Nephronophthisis 14. Last evaluated: 2022-05-07. Review status: criteria provided, single submitter. Criteria: Invitae Variant Classification Sherloc (09022015). Collection method: clinical testing. Allele origin: germline.
Comment: In summary, the available evidence is currently insufficient to determine the role of this variant in disease. Therefore, it has been classified as a Variant of Uncertain Significance. Algorithms developed to predict the effect of missense changes on protein structure and function (SIFT, PolyPhen-2, Align-GVGD) all suggest that this variant is likely to be tolerated. ClinVar contains an entry for this variant (Variation ID: 1017494). This variant has not been reported in the literature in individuals affected with ZNF423-related conditions. This variant is present in population databases (no rsID available, gnomAD 0.001%). This sequence change replaces asparagine, which is neutral and polar, with aspartic acid, which is acidic and polar, at codon 1085 of the ZNF423 protein (p.Asn1085Asp).